The following is an entry in ClinVar:

NM_015506.3(MMACHC):c.495G>A (p.Leu165=)

Gene: MMACHC (metabolism of cobalamin associated C; plus strand). Cytogenetic location: 1p34.1.
Variant type: single nucleotide variant.
Coding change: c.495G>A on transcript NM_015506.3 (MANE Select); coding-DNA position 495, G replaced by A.
Protein change: p.Leu165=; no amino-acid change (leucine 165 retained).
Molecular consequence: synonymous variant.
Genome position (GRCh38, 1-based): chr1:45,508,861, G>A. VCF-style: chr1-45508861-G-A. GRCh37 (hg19) VCF-style: chr1-45974533-G-A.
Other names: c.324G>A, p.Leu108= (NM_001330540.2).
Identifiers: ClinVar variation 506724 (VCV000506724.20), dbSNP rs761111018, ClinGen allele CA827775.

ClinVar aggregate classification (germline): Benign/Likely benign. Review status: criteria provided, multiple submitters, no conflicts (2 of 4 stars). 7 submissions from 7 submitters: Benign (2); Likely benign (4). 1 of the submissions does not count toward it. Last evaluated 2025-12-30.

Conditions:
Cobalamin C disease. Also called: Methylmalonic aciduria and homocystinuria, Vitamin B12-responsive; Vitamin B12 metabolic defect with combined deficiency of methylmalonyl-CoA mutase and homocysteine:methyltetrahydrofolate methyltransferase; methylmalonic aciduria and homocystinuria type cblC; Methylmalonic aciduria with homocystinuria cblC type; Cobalamin-C methylmalonic acidemia and homocystinuria; Methylmalonic acidemia and homocystinuria cblC type. Identifiers: Orphanet 26, Orphanet 79282, MedGen C1848561, MONDO:0010184, OMIM 277400.
Disorders of Intracellular Cobalamin Metabolism. Identifiers: MedGen CN043592.

Allele frequency attached by ClinVar (database versions not stated): gnomAD 0.00003; ExAC 0.00039; gnomAD exomes 0.00013 and 0.00032; TOPMed 0.00017.

Submissions (7):

Labcorp Genetics (formerly Invitae), Labcorp
Classification: Benign for Cobalamin C disease. Last evaluated: 2025-12-30. Review status: criteria provided, single submitter. Criteria: Invitae Variant Classification Sherloc (09022015). Collection method: clinical testing. Allele origin: germline.

Genome-Nilou Lab
Classification: Benign for Cobalamin C disease. Last evaluated: 2023-04-11. Review status: criteria provided, single submitter. Criteria: ACMG Guidelines, 2015. Collection method: clinical testing. Allele origin: germline. Affected: no.

Blueprint Genetics
Classification: Likely benign. Last evaluated: 2022-08-02. Review status: criteria provided, single submitter. Criteria: ACMG Guidelines, 2015. Collection method: clinical testing. Allele origin: germline.

Fulgent Genetics
Classification: Likely benign for Cobalamin C disease. Last evaluated: 2021-07-19. Review status: criteria provided, single submitter. Criteria: ACMG Guidelines, 2015. Collection method: clinical testing. Allele origin: unknown.

GeneDx
Classification: Likely benign. Last evaluated: 2018-01-12. Review status: criteria provided, single submitter. Criteria: GeneDx Variant Classification (06012015). Collection method: clinical testing. Allele origin: germline. Affected: yes.
Comment: This variant is considered likely benign or benign based on one or more of the following criteria: it is a conservative change, it occurs at a poorly conserved position in the protein, it is predicted to be benign by multiple in silico algorithms, and/or has population frequency not consistent with disease.

Illumina Laboratory Services, Illumina
Classification: Likely benign for Disorders of Intracellular Cobalamin Metabolism. Last evaluated: 2018-01-12. Review status: criteria provided, single submitter. Criteria: ICSL Variant Classification Criteria 13 December 2019. Collection method: clinical testing. Allele origin: germline.
Comment: This variant was observed in the ICSL laboratory as part of a predisposition screen in an ostensibly healthy population. It had not been previously curated by ICSL or reported in the Human Gene Mutation Database (HGMD: prior to June 1st, 2018), and was therefore a candidate for classification through an automated scoring system. Utilizing variant allele frequency, disease prevalence and penetrance estimates, and inheritance mode, an automated score was calculated to assess if this variant is too frequent to cause the disease. Based on the score and internal cut-off values, a variant classified as likely benign is not then subjected to further curation. The score for this variant resulted in a classification of likely benign for this disease.

Natera, Inc.
Classification: Likely benign for Methylmalonic aciduria and homocystinuria cblC type. Last evaluated: 2019-06-19. Review status: no assertion criteria provided. Collection method: clinical testing. Allele origin: germline. Not counted in ClinVar's aggregate classification.